The following is an entry in ClinVar:

ClinVar aggregate classification (germline): Pathogenic (1 of 4 stars; one submission).

Conditions:
PI4KA-related disorder. Also called: PI4KA-related condition; PI4KA-related disorders. Identifiers: MedGen CN378147, MONDO:1040012.

Submission:

Women's Health and Genetics/Laboratory Corporation of America, LabCorp
Classification: Pathogenic for PI4KA-Related Disorders. Last evaluated: 2026-04-21. Review status: criteria provided, single submitter. Criteria: LabCorp Variant Classification Summary - May 2015. Collection method: clinical testing. Allele origin: germline.
Comment: Variant summary: PI4KA c.591C>G (p.Tyr197X) results in a premature termination codon, predicted to cause absence of the protein due to nonsense mediated decay, which is a commonly known mechanism for disease. The variant was absent in 251406 control chromosomes. To our knowledge, no occurrence of c.591C>G in individuals affected with PI4KA-related conditions and no experimental evidence demonstrating its impact on protein function have been reported. No submitters have cited clinical-significance assessments for this variant to ClinVar. Based on the evidence outlined above, the variant was classified as pathogenic.

NM_058004.4(PI4KA):c.591C>G (p.Tyr197Ter)

Gene: PI4KA (phosphatidylinositol 4-kinase alpha; minus strand). Cytogenetic location: 22q11.21.
Variant type: single nucleotide variant.
Coding change: c.591C>G on transcript NM_058004.4 (MANE Select); coding-DNA position 591, C replaced by G.
Protein change: p.Tyr197Ter; replaces tyrosine 197 with a stop codon.
Molecular consequence: nonsense.
Genome position (GRCh38, 1-based): chr22:20,819,839, G>C on the plus strand (C>G on the coding strand, the complement: PI4KA is on the minus strand). VCF-style: chr22-20819839-G-C. GRCh37 (hg19) VCF-style: chr22-21174127-G-C.
Other names: c.591C>G, p.Tyr197Ter (NM_001362862.2, NM_001362863.2); short protein forms Y197*.
Identifiers: ClinVar variation 4848356 (VCV004848356.1).